The following is an entry in ClinVar:

NM_001276345.2(TNNT2):c.390C>G (p.Leu130=)

Gene: TNNT2 (troponin T2, cardiac type; minus strand). Cytogenetic location: 1q32.1.
Variant type: single nucleotide variant.
Coding change: c.390C>G on transcript NM_001276345.2 (MANE Select); coding-DNA position 390, C replaced by G.
Protein change: p.Leu130=; no amino-acid change (leucine 130 retained).
Molecular consequence: synonymous variant. On other transcripts: intron variant (1).
Genome position (GRCh38, 1-based): chr1:201,365,212, G>C on the plus strand (C>G on the coding strand, the complement: TNNT2 is on the minus strand). VCF-style: chr1-201365212-G-C. GRCh37 (hg19) VCF-style: chr1-201334340-G-C.
Other names: c.390C>G, p.Leu130= (NM_000364.4, NM_001406723.1); c.360C>G, p.Leu120= (NM_001001430.3, NM_001001431.3, NM_001276347.2 and 3 more transcripts); c.345C>G, p.Leu115= (NM_001001432.3, NM_001406728.1); c.357C>G, p.Leu119= (NM_001406725.1); c.291+398C>G (NM_001276346.2).
Identifiers: ClinVar variation 3073167 (VCV003073167.3), dbSNP rs758543857, ClinGen allele CA089857.

ClinVar aggregate classification (germline): Likely benign. Review status: criteria provided, multiple submitters, no conflicts (2 of 4 stars). 2 submissions from 2 submitters: Likely benign (2). Last evaluated 2025-01-31.

Conditions:
Hypertrophic cardiomyopathy 2. Also called: TNNT2-Related Familial Hypertrophic Cardiomyopathy. Identifiers: MedGen C1861864, MONDO:0007266, OMIM 115195.
Dilated cardiomyopathy 1D. Identifiers: Orphanet 154, Orphanet 54260, MedGen C1832243, MONDO:0011095, OMIM 601494.
Cardiomyopathy, familial restrictive, 3. Identifiers: Orphanet 75249, MedGen C2676271, MONDO:0012900, OMIM 612422.
Cardiomyopathy (CMYO). Also called: Cardiomyopathies. Identifiers: Orphanet 167848, MedGen C0878544, MONDO:0004994, HP:0001638. Inheritance: Various modes of inheritance.

Allele frequency attached by ClinVar (database versions not stated): ExAC 0.00001.
gnomAD v4.1: 3 of 1,613,988 alleles (0.00019%); highest among the groups gnomAD compares: Non-Finnish European, 0.00025%; no homozygotes.

Submissions (2):

Labcorp Genetics (formerly Invitae), Labcorp
Classification: Likely benign for Cardiomyopathy, familial restrictive, 3; Hypertrophic cardiomyopathy 2; Dilated cardiomyopathy 1D. Last evaluated: 2025-01-31. Review status: criteria provided, single submitter. Criteria: Invitae Variant Classification Sherloc (09022015). Collection method: clinical testing. Allele origin: germline.

All of Us Research Program, National Institutes of Health
Classification: Likely benign for Cardiomyopathy. Last evaluated: 2023-08-28. Review status: criteria provided, single submitter. Criteria: ACMG Guidelines, 2015. Collection method: clinical testing. Allele origin: germline. Inheritance: Autosomal dominant inheritance. Observed: 1 variant allele, 1 heterozygote.
Comment: This study involves interpretation of variants in research participants for the purpose of population health screening. Participant phenotype was not available at the time of variant classification. Additional details can be found in publication PMID: 35346344, PMCID: PMC8962531